The following is an entry in ClinVar:

ClinVar aggregate classification (germline): Conflicting classifications of pathogenicity. Review status: criteria provided, conflicting classifications (1 of 4 stars). 2 submissions from 2 submitters: Uncertain significance (1); Likely benign (1). Last evaluated 2025-12-14.

Allele frequency attached by ClinVar (database versions not stated): TOPMed below 0.00001; gnomAD exomes 0.00001 and 0.00002.
gnomAD v4.1: 8 of 1,612,138 alleles (0.0005%); highest among the groups gnomAD compares: Admixed American, 0.01%; no homozygotes.

Submissions (2):

Labcorp Genetics (formerly Invitae), Labcorp
Classification: Likely benign. Last evaluated: 2025-12-14. Review status: criteria provided, single submitter. Criteria: Invitae Variant Classification Sherloc (09022015). Collection method: clinical testing. Allele origin: germline.

GeneDx
Classification: Uncertain significance. Last evaluated: 2024-08-14. Review status: criteria provided, single submitter. Criteria: GeneDx Variant Classification Process June 2021. Collection method: clinical testing. Allele origin: germline. Affected: yes.
Comment: In silico analysis indicates that this variant does not alter splicing; Has not been previously published as pathogenic or benign to our knowledge

NM_001173467.3(SP7):c.540G>A (p.Gly180=)

Gene: SP7 (Sp7 transcription factor; minus strand). Cytogenetic location: 12q13.13.
Variant type: single nucleotide variant.
Coding change: c.540G>A on transcript NM_001173467.3 (MANE Select); coding-DNA position 540, G replaced by A.
Protein change: p.Gly180=; no amino-acid change (glycine 180 retained).
Molecular consequence: synonymous variant.
Genome position (GRCh38, 1-based): chr12:53,328,902, C>T on the plus strand (G>A on the coding strand, the complement: SP7 is on the minus strand). VCF-style: chr12-53328902-C-T. GRCh37 (hg19) VCF-style: chr12-53722686-C-T.
Other names: c.486G>A, p.Gly162= (NM_001300837.2); c.540G>A, p.Gly180= (NM_152860.2).
Identifiers: ClinVar variation 746382 (VCV000746382.5), dbSNP rs1461984773, ClinGen allele CA480081879.